The following is an entry in ClinVar:

ClinVar aggregate classification (germline): Benign/Likely benign. Review status: criteria provided, multiple submitters, no conflicts (2 of 4 stars). 2 submissions from 2 submitters: Benign (1); Likely benign (1). Last evaluated 2025-09-01.

Allele frequency attached by ClinVar (database versions not stated): 1000 Genomes Project 0.00020; 1000 Genomes Project 30x 0.00031; gnomAD 0.00143 and 0.00162; gnomAD exomes 0.00143 and 0.00241; TOPMed 0.00149; ESP Exome Variant Server 0.00200; ExAC 0.00319.
gnomAD v4.1: 3,605 of 1,584,422 alleles (0.23%); highest among the groups gnomAD compares: Non-Finnish European, 0.29%; 6 homozygotes.

Submissions (2):

CeGaT Center for Human Genetics Tuebingen
Classification: Likely benign. Last evaluated: 2025-09-01. Review status: criteria provided, single submitter. Criteria: CeGaT Center For Human Genetics Tuebingen Variant Classification Criteria Version 2. Collection method: clinical testing. Allele origin: germline. Affected: yes. Observed: 4 variant alleles.
Comment: SGSM3: BP4

Labcorp Genetics (formerly Invitae), Labcorp
Classification: Benign. Last evaluated: 2018-05-25. Review status: criteria provided, single submitter. Criteria: Invitae Variant Classification Sherloc (09022015). Collection method: clinical testing. Allele origin: germline.

NM_015705.6(SGSM3):c.1206G>A (p.Gln402=)

Gene: SGSM3 (small G protein signaling modulator 3; plus strand). Cytogenetic location: 22q13.1.
Variant type: single nucleotide variant.
Coding change: c.1206G>A on transcript NM_015705.6 (MANE Select); coding-DNA position 1206, G replaced by A.
Protein change: p.Gln402=; no amino-acid change (glutamine 402 retained).
Molecular consequence: synonymous variant. On other transcripts: non-coding transcript variant (4).
Genome position (GRCh38, 1-based): chr22:40,407,037, G>A. VCF-style: chr22-40407037-G-A. GRCh37 (hg19) VCF-style: chr22-40803041-G-A.
Other names: c.1017G>A, p.Gln339= (NM_001301849.2, NM_001350042.2, NM_001350044.2 and 1 more transcripts); c.1206G>A, p.Gln402= (NM_001350039.2, NM_001350040.2, NM_001350041.2); c.1005G>A, p.Gln335= (NM_001350043.2, NM_001350046.2, NM_001350047.2); c.708G>A, p.Gln236= (NM_001350048.2).
Identifiers: ClinVar variation 789866 (VCV000789866.27), dbSNP rs150363308, ClinGen allele CA10248541.